The following is an entry in ClinVar:

ClinVar aggregate classification (germline): Uncertain significance. Review status: criteria provided, multiple submitters, no conflicts (2 of 4 stars). 2 submissions from 2 submitters: Uncertain significance (2). Last evaluated 2025-09-25.

Allele frequency attached by ClinVar (database versions not stated): ExAC 0.00001; TOPMed 0.00001; gnomAD 0.00002 and 0.00003; gnomAD exomes 0.00002; ESP Exome Variant Server 0.00008.
gnomAD v4.1: 129 of 1,614,092 alleles (0.008%); highest among the groups gnomAD compares: Non-Finnish European, 0.01%; no homozygotes.

Submissions (2):

Labcorp Genetics (formerly Invitae), Labcorp
Classification: Uncertain significance. Last evaluated: 2025-09-25. Review status: criteria provided, single submitter. Criteria: Invitae Variant Classification Sherloc (09022015). Collection method: clinical testing. Allele origin: germline.
Comment: This sequence change replaces arginine, which is basic and polar, with serine, which is neutral and polar, at codon 274 of the RGR protein (p.Arg274Ser). This variant is present in population databases (rs375673754, gnomAD 0.004%). This variant has not been reported in the literature in individuals affected with RGR-related conditions. ClinVar contains an entry for this variant (Variation ID: 1040841). Experimental studies and prediction algorithms are not available or were not evaluated, and the functional significance of this variant is currently unknown. In summary, the available evidence is currently insufficient to determine the role of this variant in disease. Therefore, it has been classified as a Variant of Uncertain Significance.

Blueprint Genetics
Classification: Uncertain significance. Last evaluated: 2022-10-06. Review status: criteria provided, single submitter. Criteria: ACMG Guidelines, 2015. Collection method: clinical testing. Allele origin: germline.

NM_001012720.2(RGR):c.822G>C (p.Arg274Ser)

Gene: RGR (retinal G protein coupled receptor; plus strand). Cytogenetic location: 10q23.1.
Variant type: single nucleotide variant.
Coding change: c.822G>C on transcript NM_001012720.2 (MANE Select); coding-DNA position 822, G replaced by C.
Protein change: p.Arg274Ser; replaces arginine 274 with serine.
Molecular consequence: missense variant.
Genome position (GRCh38, 1-based): chr10:84,258,585, G>C. VCF-style: chr10-84258585-G-C. GRCh37 (hg19) VCF-style: chr10-86018341-G-C.
Other names: c.708G>C, p.Arg236Ser (NM_001012722.2); c.834G>C, p.Arg278Ser (NM_002921.4); short protein forms R236S, R278S, R274S.
Identifiers: ClinVar variation 1040841 (VCV001040841.9), dbSNP rs375673754, ClinGen allele CA5581597.